The following is an entry in ClinVar:

ClinVar aggregate classification (germline): Uncertain significance. Review status: criteria provided, multiple submitters, no conflicts (2 of 4 stars). 6 submissions from 6 submitters: Uncertain significance (6). Last evaluated 2025-04-14.

Conditions:
Cardiovascular phenotype. Identifiers: MedGen CN230736.
Cardiomyopathy (CMYO). Also called: Cardiomyopathies. Identifiers: Orphanet 167848, MedGen C0878544, MONDO:0004994, HP:0001638. Inheritance: Various modes of inheritance.
Hypertrophic cardiomyopathy. Also called: HYPERTROPHIC MYOCARDIOPATHY. Identifiers: Orphanet 217569, MedGen C0007194, MeSH D002312, MONDO:0005045, HP:0001639.
Lethal congenital glycogen storage disease of heart. Also called: GLYCOGEN STORAGE DISEASE OF HEART; PHOSPHORYLASE KINASE DEFICIENCY OF HEART. Identifiers: Orphanet 439854, MedGen C1849813, MONDO:0009867, OMIM 261740.

Allele frequency attached by ClinVar (database versions not stated): gnomAD 0.00002 and 0.00003; TOPMed 0.00003; ESP Exome Variant Server 0.00008.
gnomAD v4.1: 20 of 1,606,234 alleles (0.0012%); highest among the groups gnomAD compares: Non-Finnish European, 0.0016%; no homozygotes.

Submissions (6):

Color Diagnostics, LLC DBA Color Health
Classification: Uncertain significance for Cardiomyopathy. Last evaluated: 2025-04-14. Review status: criteria provided, single submitter. Criteria: ACMG Guidelines, 2015. Collection method: clinical testing. Allele origin: germline.
Comment: This missense variant replaces histidine with tyrosine at codon 36 of the PRKAG2 protein. Computational prediction suggests that this variant may not impact protein structure and function (internally defined REVEL score threshold <= 0.5, PMID: 27666373). To our knowledge, functional studies have not been reported for this variant. This variant has not been reported in individuals affected with PRKAG2-related disorders in the literature. This variant has not been identified in the general population by the Genome Aggregation Database (gnomAD). The available evidence is insufficient to determine the role of this variant in disease conclusively. Therefore, this variant is classified as a Variant of Uncertain Significance.

Labcorp Genetics (formerly Invitae), Labcorp
Classification: Uncertain significance for Lethal congenital glycogen storage disease of heart. Last evaluated: 2024-12-16. Review status: criteria provided, single submitter. Criteria: Invitae Variant Classification Sherloc (09022015). Collection method: clinical testing. Allele origin: germline.
Comment: This sequence change replaces histidine, which is basic and polar, with tyrosine, which is neutral and polar, at codon 36 of the PRKAG2 protein (p.His36Tyr). This variant is not present in population databases (gnomAD no frequency). This variant has not been reported in the literature in individuals affected with PRKAG2-related conditions. ClinVar contains an entry for this variant (Variation ID: 632960). Invitae Evidence Modeling of protein sequence and biophysical properties (such as structural, functional, and spatial information, amino acid conservation, physicochemical variation, residue mobility, and thermodynamic stability) indicates that this missense variant is not expected to disrupt PRKAG2 protein function with a negative predictive value of 95%. In summary, the available evidence is currently insufficient to determine the role of this variant in disease. Therefore, it has been classified as a Variant of Uncertain Significance.

Ambry Genetics
Classification: Uncertain significance for Cardiovascular phenotype. Last evaluated: 2024-05-08. Review status: criteria provided, single submitter. Criteria: Ambry Variant Classification Scheme 2023. Collection method: clinical testing. Allele origin: germline.

All of Us Research Program, National Institutes of Health
Classification: Uncertain significance for Hypertrophic cardiomyopathy. Last evaluated: 2023-12-01. Review status: criteria provided, single submitter. Criteria: ACMG Guidelines, 2015. Collection method: clinical testing. Allele origin: germline. Inheritance: Autosomal dominant inheritance. Observed: 2 variant alleles, 2 heterozygotes.
Comment: This missense variant replaces histidine with tyrosine at codon 36 of the PRKAG2 protein. Computational prediction suggests that this variant may not impact protein structure and function (internally defined REVEL score threshold <= 0.5, PMID: 27666373). To our knowledge, functional studies have not been reported for this variant. This variant has not been reported in individuals affected with cardiovascular disorders in the literature. This variant has not been identified in the general population by the Genome Aggregation Database (gnomAD). The available evidence is insufficient to determine the role of this variant in disease conclusively. Therefore, this variant is classified as a Variant of Uncertain Significance.

This study involves interpretation of variants in research participants for the purpose of population health screening. Participant phenotype was not available at the time of variant classification. Additional details can be found in publication PMID: 35346344, PMCID: PMC8962531

GeneDx
Classification: Uncertain significance. Last evaluated: 2023-02-27. Review status: criteria provided, single submitter. Criteria: GeneDx Variant Classification Process June 2021. Collection method: clinical testing. Allele origin: germline. Affected: yes.
Comment: Not observed at significant frequency in large population cohorts (gnomAD); In silico analysis supports that this missense variant does not alter protein structure/function; Has not been previously published as pathogenic or benign to our knowledge

Women's Health and Genetics/Laboratory Corporation of America, LabCorp
Classification: Uncertain significance. Last evaluated: 2018-09-10. Review status: criteria provided, single submitter. Criteria: LabCorp Variant Classification Summary - May 2015. Collection method: clinical testing. Allele origin: germline.
Comment: Variant summary: PRKAG2 c.106C>T (p.His36Tyr) results in a conservative amino acid change in the encoded protein sequence. Four of five in-silico tools predict a benign effect of the variant on protein function. The variant was absent in 240412 control chromosomes (gnomAD). The available data on variant occurrences in the general population are insufficient to allow any conclusion about variant significance. To our knowledge, no occurrence of c.106C>T in individuals affected with Cardiomyopathy and no experimental evidence demonstrating its impact on protein function have been reported. No clinical diagnostic laboratories have submitted clinical-significance assessments for this variant to ClinVar after 2014. Based on the evidence outlined above, the variant was classified as uncertain significance.

NM_016203.4(PRKAG2):c.106C>T (p.His36Tyr)

Gene: PRKAG2 (protein kinase AMP-activated non-catalytic subunit gamma 2; minus strand). Cytogenetic location: 7q36.1.
Variant type: single nucleotide variant.
Coding change: c.106C>T on transcript NM_016203.4 (MANE Select); coding-DNA position 106, C replaced by T.
Protein change: p.His36Tyr; replaces histidine 36 with tyrosine.
Molecular consequence: missense variant.
Genome position (GRCh38, 1-based): chr7:151,876,515, G>A on the plus strand (C>T on the coding strand, the complement: PRKAG2 is on the minus strand). VCF-style: chr7-151876515-G-A. GRCh37 (hg19) VCF-style: chr7-151573600-G-A.
Other names: short protein forms H36Y.
Identifiers: ClinVar variation 632960 (VCV000632960.10), dbSNP rs377603922, ClinGen allele CA169183611.
Genomic context (GRCh38, chr7:151,876,515, plus strand): 5'-GACGGGAGCGACAGGAGGGCTGGGGAGCAGGGGACCGAGTGCTGGGACTCACCGGAATGT[G>A]CACGCGCAGCGAACGCCTCTTCTGGCTGGCATTTTTCTTGCCGCCGCTCCCGCCGGGGCT-3'
Protein context (NP_057287.2, residues 26-46): ASQKRRSLRV[His36Tyr]IPDLSSFAMP